The following is an entry in ClinVar:

ClinVar aggregate classification (germline): Uncertain significance. Review status: criteria provided, multiple submitters, no conflicts (2 of 4 stars). 2 submissions from 2 submitters: Uncertain significance (2). Last evaluated 2026-03-07.

Conditions:
Shprintzen-Goldberg syndrome (SGS). Also called: SHPRINTZEN-GOLDBERG CRANIOSYNOSTOSIS SYNDROME; CRANIOSYNOSTOSIS WITH ARACHNODACTYLY AND ABDOMINAL HERNIAS; Marfanoid disorder with craniosynostosis type 1; Marfanoid craniosynostosis syndrome; Shprintzen-Goldberg marfanoid syndrome. Identifiers: Orphanet 2462, MedGen C1321551, MONDO:0008426, OMIM 182212.
Familial thoracic aortic aneurysm and aortic dissection (TAAD). Also called: Thoracic aortic aneurysms and dissections. Identifiers: Orphanet 91387, MedGen C4707243, MONDO:0019625.

Allele frequency attached by ClinVar (database versions not stated): gnomAD exomes 0.00001; gnomAD 0.00002 and 0.00004; TOPMed 0.00002.
gnomAD v4.1: 12 of 1,551,624 alleles (0.00077%); highest among the groups gnomAD compares: African/African-American, 0.0068%; no homozygotes.

Submissions (2):

Ambry Genetics
Classification: Uncertain significance for Familial thoracic aortic aneurysm and aortic dissection. Last evaluated: 2026-03-07. Review status: criteria provided, single submitter. Criteria: Ambry Variant Classification Scheme 2023. Collection method: clinical testing. Allele origin: germline.
Comment: The p.P516L variant (also known as c.1547C>T), located in coding exon 5 of the SKI gene, results from a C to T substitution at nucleotide position 1547. The proline at codon 516 is replaced by leucine, an amino acid with similar properties. This amino acid position is conserved. In addition, the in silico prediction for this alteration is inconclusive. Based on the available evidence, the clinical significance of this variant remains unclear.

Labcorp Genetics (formerly Invitae), Labcorp
Classification: Uncertain significance for Shprintzen-Goldberg syndrome. Last evaluated: 2023-02-21. Review status: criteria provided, single submitter. Criteria: Invitae Variant Classification Sherloc (09022015). Collection method: clinical testing. Allele origin: germline.
Comment: Advanced modeling of protein sequence and biophysical properties (such as structural, functional, and spatial information, amino acid conservation, physicochemical variation, residue mobility, and thermodynamic stability) has been performed at Invitae for this missense variant, however the output from this modeling did not meet the statistical confidence thresholds required to predict the impact of this variant on SKI protein function. ClinVar contains an entry for this variant (Variation ID: 1404700). This variant has not been reported in the literature in individuals affected with SKI-related conditions. This variant is present in population databases (rs781193859, gnomAD 0.01%). This sequence change replaces proline, which is neutral and non-polar, with leucine, which is neutral and non-polar, at codon 516 of the SKI protein (p.Pro516Leu). In summary, the available evidence is currently insufficient to determine the role of this variant in disease. Therefore, it has been classified as a Variant of Uncertain Significance.

NM_003036.4(SKI):c.1547C>T (p.Pro516Leu)

Gene: SKI (SKI proto-oncogene; plus strand). Cytogenetic location: 1p36.32.
Variant type: single nucleotide variant.
Coding change: c.1547C>T on transcript NM_003036.4 (MANE Select); coding-DNA position 1547, C replaced by T.
Protein change: p.Pro516Leu; replaces proline 516 with leucine.
Molecular consequence: missense variant.
Genome position (GRCh38, 1-based): chr1:2,304,365, C>T. VCF-style: chr1-2304365-C-T. GRCh37 (hg19) VCF-style: chr1-2235804-C-T.
Other names: c.1547C>T (NM_003036.3); short protein forms P516L.
Identifiers: ClinVar variation 1404700 (VCV001404700.9), dbSNP rs781193859, ClinGen allele CA536747.
Genomic context (GRCh38, chr1:2,304,365, plus strand): 5'-TGTCCTCGCTCTCTTCCCCGTCCTTTACCTCATCCAGCTCCGCCAAGGACCTGGGCTCCC[C>T]GGGTGCGCGTGCCCTGCCCTCGGCCGTCCCTGATGCTGCGGCCCCTGCCGACGCCCCCAG-3'
Protein context (NP_003027.1, residues 506-526): SSSSAKDLGS[Pro516Leu]GARALPSAVP